The following is an entry in ClinVar:

ClinVar aggregate classification (germline): Conflicting classifications of pathogenicity. Review status: criteria provided, conflicting classifications (1 of 4 stars). 5 submissions from 5 submitters: Uncertain significance (3); Likely benign (2). Last evaluated 2025-11-11.

Conditions:
Hereditary cancer-predisposing syndrome. Also called: Hereditary Cancer Syndrome; Tumor predisposition; Neoplastic Syndromes, Hereditary; Hereditary neoplastic syndrome. Identifiers: Orphanet 140162, MedGen C0027672, MeSH D009386, MONDO:0015356.
BRCA2-related cancer predisposition. Identifiers: MedGen CN377758, MONDO:0700269.
Hereditary breast ovarian cancer syndrome. Also called: Hereditary breast and ovarian cancer syndrome; Hereditary breast and ovarian cancer; Hereditary breast and ovarian cancer syndrome (HBOC); Breast and ovarian cancer; BRCA1- and BRCA2-Associated Hereditary Breast and Ovarian Cancer; Hereditary breast and/or ovarian cancer syndrome. Identifiers: Orphanet 145, MedGen C0677776, MeSH D061325, MONDO:0003582. Disease mechanism: loss of function.

Allele frequency attached by ClinVar (database versions not stated): gnomAD exomes below 0.00001.
gnomAD v4.1: 1 of 1,593,314 alleles (0.000063%); highest among the groups gnomAD compares: Non-Finnish European, 0.000086%; no homozygotes.

Submissions (5):

Labcorp Genetics (formerly Invitae), Labcorp
Classification: Uncertain significance for Hereditary breast ovarian cancer syndrome. Last evaluated: 2025-11-11. Review status: criteria provided, single submitter. Criteria: Invitae Variant Classification Sherloc (09022015). Collection method: clinical testing. Allele origin: germline.
Comment: This sequence change replaces phenylalanine, which is neutral and non-polar, with leucine, which is neutral and non-polar, at codon 1443 of the BRCA2 protein (p.Phe1443Leu). This variant is not present in population databases (gnomAD no frequency). This variant has not been reported in the literature in individuals affected with BRCA2-related conditions. ClinVar contains an entry for this variant (Variation ID: 531362). Invitae Evidence Modeling of protein sequence and biophysical properties (such as structural, functional, and spatial information, amino acid conservation, physicochemical variation, residue mobility, and thermodynamic stability) indicates that this missense variant is not expected to disrupt BRCA2 protein function with a negative predictive value of 95%. In summary, the available evidence is currently insufficient to determine the role of this variant in disease. Therefore, it has been classified as a Variant of Uncertain Significance.

CeGaT Center for Human Genetics Tuebingen
Classification: Uncertain significance. Last evaluated: 2024-10-01. Review status: criteria provided, single submitter. Criteria: CeGaT Center For Human Genetics Tuebingen Variant Classification Criteria Version 2. Collection method: clinical testing. Allele origin: germline. Affected: yes. Observed: 1 variant allele.
Comment: BRCA2: PM2, BP1, BP4

Ambry Genetics
Classification: Likely benign for Hereditary cancer-predisposing syndrome. Last evaluated: 2024-05-07. Review status: criteria provided, single submitter. Criteria: Ambry Variant Classification Scheme 2023. Collection method: clinical testing. Allele origin: germline.

Department of Pathology and Laboratory Medicine, Sinai Health System
Classification: Uncertain significance for BRCA2-related cancer predisposition. Last evaluated: 2023-05-16. Review status: criteria provided, single submitter. Criteria: ACMG Guidelines, 2015. Collection method: clinical testing. Allele origin: germline.

University of Washington Department of Laboratory Medicine, University of Washington
Classification: Likely benign for Hereditary cancer-predisposing syndrome. Last evaluated: 2023-03-23. Review status: criteria provided, single submitter. Criteria: Dines et al. (Genet Med. 2020). Collection method: curation. Allele origin: germline.
Comment: Missense variant in a coldspot region where missense variants are very unlikely to be pathogenic (PMID:31911673).

BRCA2 exon 11 coldspot. Reclassification based on statistical prior probability.

NM_000059.4(BRCA2):c.4327T>C (p.Phe1443Leu)

Gene: BRCA2 (BRCA2 DNA repair associated; plus strand). Cytogenetic location: 13q13.1.
Variant type: single nucleotide variant.
Coding change: c.4327T>C on transcript NM_000059.4 (MANE Select); coding-DNA position 4327, T replaced by C.
Protein change: p.Phe1443Leu; replaces phenylalanine 1443 with leucine.
Molecular consequence: missense variant.
Genome position (GRCh38, 1-based): chr13:32,338,682, T>C. VCF-style: chr13-32338682-T-C. GRCh37 (hg19) VCF-style: chr13-32912819-T-C.
Other names: short protein forms F1443L.
Identifiers: ClinVar variation 531362 (VCV000531362.26), dbSNP rs1555283725, ClinGen allele CA387780838.